The following is an entry in ClinVar:

NM_000135.4(FANCA):c.512G>T (p.Trp171Leu)

Gene: FANCA (FA complementation group A; minus strand). Cytogenetic location: 16q24.3.
Variant type: single nucleotide variant.
Coding change: c.512G>T on transcript NM_000135.4 (MANE Select); coding-DNA position 512, G replaced by T.
Protein change: p.Trp171Leu; replaces tryptophan 171 with leucine.
Molecular consequence: missense variant. On other transcripts: intron variant (1).
Genome position (GRCh38, 1-based): chr16:89,810,717, C>A on the plus strand (G>T on the coding strand, the complement: FANCA is on the minus strand). VCF-style: chr16-89810717-C-A. GRCh37 (hg19) VCF-style: chr16-89877125-C-A.
Other names: c.512G>T, p.Trp171Leu (NM_001018112.3, NM_001286167.3); c.426+212G>T (NM_001351830.2); c.512G>T (NM_000135.2); short protein forms W171L.
Identifiers: ClinVar variation 1057151 (VCV001057151.10), dbSNP rs2143677109, ClinGen allele CA397480658.

ClinVar aggregate classification (germline): Uncertain significance. Review status: criteria provided, multiple submitters, no conflicts (2 of 4 stars). 2 submissions from 2 submitters: Uncertain significance (2). Last evaluated 2025-07-05.

Conditions:
Inborn genetic diseases. Identifiers: MedGen C0950123, MeSH D030342.
Fanconi anemia (FA). Also called: Fanconi's anemia. Identifiers: Orphanet 84, MedGen C0015625, MeSH D005199, MONDO:0019391.

Submissions (2):

Ambry Genetics
Classification: Uncertain significance for Inborn genetic diseases. Last evaluated: 2025-07-05. Review status: criteria provided, single submitter. Criteria: Ambry Variant Classification Scheme 2023. Collection method: clinical testing. Allele origin: germline.
Comment: The p.W171L variant (also known as c.512G>T), located in coding exon 5 of the FANCA gene, results from a G to T substitution at nucleotide position 512. The tryptophan at codon 171 is replaced by leucine, an amino acid with similar properties. This amino acid position is conserved. In addition, the in silico prediction for this alteration is inconclusive. Based on the available evidence, the clinical significance of this variant remains unclear.

Labcorp Genetics (formerly Invitae), Labcorp
Classification: Uncertain significance for Fanconi anemia. Last evaluated: 2020-07-26. Review status: criteria provided, single submitter. Criteria: Invitae Variant Classification Sherloc (09022015). Collection method: clinical testing. Allele origin: germline.
Comment: This sequence change replaces tryptophan with leucine at codon 171 of the FANCA protein (p.Trp171Leu). The tryptophan residue is weakly conserved and there is a small physicochemical difference between tryptophan and leucine. This variant is not present in population databases (ExAC no frequency). This variant has not been reported in the literature in individuals with FANCA-related conditions. Algorithms developed to predict the effect of missense changes on protein structure and function (SIFT, PolyPhen-2, Align-GVGD) all suggest that this variant is likely to be tolerated, but these predictions have not been confirmed by published functional studies and their clinical significance is uncertain. In summary, the available evidence is currently insufficient to determine the role of this variant in disease. Therefore, it has been classified as a Variant of Uncertain Significance.